The following is an entry in ClinVar:

ClinVar aggregate classification (germline): Uncertain significance (1 of 4 stars; one submission).

Submission:

Labcorp Genetics (formerly Invitae), Labcorp
Classification: Uncertain significance. Last evaluated: 2024-08-10. Review status: criteria provided, single submitter. Criteria: Invitae Variant Classification Sherloc (09022015). Collection method: clinical testing. Allele origin: germline.
Comment: This sequence change replaces threonine, which is neutral and polar, with lysine, which is basic and polar, at codon 4845 of the RNF213 protein (p.Thr4845Lys). This variant is not present in population databases (gnomAD no frequency). This variant has not been reported in the literature in individuals affected with RNF213-related conditions. An algorithm developed to predict the effect of missense changes on protein structure and function (PolyPhen-2) suggests that this variant is likely to be disruptive. In summary, the available evidence is currently insufficient to determine the role of this variant in disease. Therefore, it has been classified as a Variant of Uncertain Significance.

NM_001256071.3(RNF213):c.14534C>A (p.Thr4845Lys)

Genes: RNF213 (ring finger protein 213; plus strand), RNF213-AS1 (RNF213 antisense RNA 1; minus strand), LOC126862664 (CDK7 strongly-dependent group 2 enhancer GRCh37_chr17:78359110-78360309; plus strand). Cytogenetic location: 17q25.3.
Variant type: single nucleotide variant.
Coding change: c.14534C>A on transcript NM_001256071.3 (MANE Select); coding-DNA position 14534, C replaced by A.
Protein change: p.Thr4845Lys; replaces threonine 4845 with lysine.
Molecular consequence: missense variant.
Genome position (GRCh38, 1-based): chr17:80,385,616, C>A. VCF-style: chr17-80385616-C-A. GRCh37 (hg19) VCF-style: chr17-78359416-C-A.
Other names: c.14681C>A, p.Thr4894Lys (NM_001410195.1, NM_020914.5); short protein forms T4845K, T4894K.
Identifiers: ClinVar variation 3690236 (VCV003690236.2).